The following is an entry in ClinVar:

ClinVar aggregate classification (germline): Pathogenic (1 of 4 stars; one submission).

Conditions:
Ataxia-telangiectasia syndrome (AT). Also called: Ataxia-telangiectasia, complementation group D; AT, COMPLEMENTATION GROUP C; ATAXIA-TELANGIECTASIA, COMPLEMENTATION GROUP A; ATAXIA-TELANGIECTASIA, FRESNO VARIANT; Ataxia-telangiectasia; Ataxia telangiectasia (A-T). Identifiers: Orphanet 100, MedGen C0004135, MONDO:0008840, OMIM 208900.

Submission:

Labcorp Genetics (formerly Invitae), Labcorp
Classification: Pathogenic for Ataxia-telangiectasia syndrome. Last evaluated: 2025-07-27. Review status: criteria provided, single submitter. Criteria: Invitae Variant Classification Sherloc (09022015). Collection method: clinical testing. Allele origin: germline.
Comment: This sequence change creates a premature translational stop signal (p.Lys2302*) in the ATM gene. It is expected to result in an absent or disrupted protein product. Loss-of-function variants in ATM are known to be pathogenic (PMID: 23807571, 25614872). This variant is not present in population databases (gnomAD no frequency). This variant has not been reported in the literature in individuals affected with ATM-related conditions. ClinVar contains an entry for this variant (Variation ID: 968974). Algorithms developed to predict the effect of sequence changes on RNA splicing suggest that this variant may disrupt the consensus splice site. For these reasons, this variant has been classified as Pathogenic.

Literature cited by the submitters: PubMed 23807571; PubMed 25614872.

NM_000051.4(ATM):c.6904A>T (p.Lys2302Ter)

Genes: ATM (ATM serine/threonine kinase; plus strand), C11orf65 (chromosome 11 open reading frame 65; minus strand). Cytogenetic location: 11q22.3.
Variant type: single nucleotide variant.
Coding change: c.6904A>T on transcript NM_000051.4 (MANE Select); coding-DNA position 6904, A replaced by T.
Protein change: p.Lys2302Ter; replaces lysine 2302 with a stop codon.
Molecular consequence: nonsense. On other transcripts: intron variant (2).
Genome position (GRCh38, 1-based): chr11:108,326,154, A>T. VCF-style: chr11-108326154-A-T. GRCh37 (hg19) VCF-style: chr11-108196881-A-T.
Other names: c.6904A>T, p.Lys2302Ter (NM_001351834.2); c.641-17083T>A (NM_001330368.2); c.*38+9066T>A (NM_001351110.2); short protein forms K2302*.
Identifiers: ClinVar variation 968974 (VCV000968974.8), dbSNP rs2085658893, ClinGen allele CA382556974.